The following is an entry in ClinVar:

NM_053025.4(MYLK):c.5155C>T (p.Leu1719=)

Genes: MYLK (myosin light chain kinase; minus strand), MYLK-AS1 (MYLK antisense RNA 1; plus strand). Cytogenetic location: 3q21.1.
Variant type: single nucleotide variant.
Coding change: c.5155C>T on transcript NM_053025.4 (MANE Select); coding-DNA position 5155, C replaced by T.
Protein change: p.Leu1719=; no amino-acid change (leucine 1719 retained).
Molecular consequence: synonymous variant.
Genome position (GRCh38, 1-based): chr3:123,626,901, G>A on the plus strand (C>T on the coding strand, the complement: MYLK is on the minus strand). VCF-style: chr3-123626901-G-A. GRCh37 (hg19) VCF-style: chr3-123345748-G-A.
Other names: c.4627C>T, p.Leu1543= (NM_001321309.2); c.4948C>T, p.Leu1650= (NM_053026.4); c.5002C>T, p.Leu1668= (NM_053027.4); c.4795C>T, p.Leu1599= (NM_053028.4).
Identifiers: ClinVar variation 390208 (VCV000390208.8), dbSNP rs1057523680, ClinGen allele CA16604795.

ClinVar aggregate classification (germline): Conflicting classifications of pathogenicity. Review status: criteria provided, conflicting classifications (1 of 4 stars). 4 submissions from 4 submitters: Uncertain significance (1); Likely benign (3). Last evaluated 2025-08-09.

Conditions:
Familial thoracic aortic aneurysm and aortic dissection (TAAD). Also called: Thoracic aortic aneurysms and dissections. Identifiers: Orphanet 91387, MedGen C4707243, MONDO:0019625.
Aortic aneurysm, familial thoracic 7 (AAT7). Also called: AORTIC DISSECTION, FAMILIAL, WITH OR WITHOUT AORTIC ANEURYSM. Identifiers: MedGen C3151077, MONDO:0013418, OMIM 613780.

Allele frequency attached by ClinVar (database versions not stated): gnomAD exomes below 0.00001 and 0.00001; gnomAD 0.00002; TOPMed 0.00002.
gnomAD v4.1: 15 of 1,614,050 alleles (0.00093%); highest among the groups gnomAD compares: Admixed American, 0.0033%; no homozygotes.

Submissions (4):

Labcorp Genetics (formerly Invitae), Labcorp
Classification: Likely benign for Aortic aneurysm, familial thoracic 7. Last evaluated: 2025-08-09. Review status: criteria provided, single submitter. Criteria: Invitae Variant Classification Sherloc (09022015). Collection method: clinical testing. Allele origin: germline.

Ambry Genetics
Classification: Likely benign for Familial thoracic aortic aneurysm and aortic dissection. Last evaluated: 2025-05-15. Review status: criteria provided, single submitter. Criteria: Ambry Variant Classification Scheme 2023. Collection method: clinical testing. Allele origin: germline.

ARUP Laboratories, Molecular Genetics and Genomics, ARUP Laboratories
Classification: Likely benign. Last evaluated: 2023-10-27. Review status: criteria provided, single submitter. Criteria: ARUP Molecular Germline Variant Investigation Process 2024. Collection method: clinical testing. Allele origin: germline.

GeneDx
Classification: Uncertain significance. Last evaluated: 2022-03-29. Review status: criteria provided, single submitter. Criteria: GeneDx Variant Classification Process June 2021. Collection method: clinical testing. Allele origin: germline. Affected: yes.
Comment: Has not been previously published as pathogenic or benign to our knowledge; Not observed at significant frequency in large population cohorts (gnomAD); In silico analysis supports that this variant does not alter splicing